The following is an entry in ClinVar:

ClinVar aggregate classification (germline): Pathogenic (1 of 4 stars; one submission).

Conditions:
Hereditary cancer-predisposing syndrome. Also called: Neoplastic Syndromes, Hereditary; Tumor predisposition; Hereditary neoplastic syndrome; Hereditary Cancer Syndrome. Identifiers: Orphanet 140162, MedGen C0027672, MeSH D009386, MONDO:0015356.

Submission:

Ambry Genetics
Classification: Pathogenic for Hereditary cancer-predisposing syndrome. Last evaluated: 2018-03-05. Review status: criteria provided, single submitter. Criteria: Ambry Variant Classification Scheme 2023. Collection method: clinical testing. Allele origin: germline.
Comment: The c.3780dupT pathogenic mutation located in coding exon 25 of the RAD50 gene, results from a duplication of T at nucleotide position 3780, causing a translational frameshift with a predicted alternate stop codon (p.N1261*). Frameshifts are typically deleterious in nature, however, this frameshift occurs at the 3' terminus of RAD50, is not expected to trigger nonsense-mediated mRNA decay, and impacts only the last 52 amino acids of the protein. This truncation leads to partial loss of the ABC ATPase domain which is integral in dsDNA break repair (Williams GJ et al. Nat. Struct. Mol. Biol. 2011 Apr; 18(4):423-31). As such, this alteration is interpreted as a disease-causing mutation.

NM_005732.4(RAD50):c.3780dup (p.Asn1261Ter)

Genes: RAD50 (RAD50 double strand break repair protein; plus strand), TH2LCRR (T helper type 2 locus control region associated RNA; minus strand). Cytogenetic location: 5q31.1.
Variant type: Duplication.
Coding change: c.3780dup on transcript NM_005732.4 (MANE Select); coding-DNA position 3780, one base duplicated (T; older notation c.3780dupT).
Protein change: p.Asn1261Ter; replaces asparagine 1261 with a stop codon.
Molecular consequence: nonsense. On other transcripts: non-coding transcript variant (1).
Genome position (GRCh38, 1-based): chr5:132,642,205, T duplicated. VCF-style (leftmost placement, unchanged base first): chr5-132642204-G-GT. GRCh37 (hg19) VCF-style: chr5-131977896-G-GT.
Other names: short protein forms N1261*.
Identifiers: ClinVar variation 824199 (VCV000824199.4), dbSNP rs1581024951, ClinGen allele CA915942563.
Genomic context (GRCh38, chr5:132,642,204, plus strand): 5'-TTACTAATAATATGTTCTGAATATATTGTTGCAGGATAATAAAAAGTCGCTCACAGCAGC[G>GT]TAACTTCCAGCTTCTGGTAATCACTCATGATGAAGATTTTGTGGAGCTTTTAGGACGTTC-3'